The following is an entry in ClinVar:

ClinVar aggregate classification (germline): Uncertain significance. Review status: criteria provided, multiple submitters, no conflicts (2 of 4 stars). 2 submissions from 2 submitters: Uncertain significance (2). Last evaluated 2024-04-30.

Conditions:
Pseudohypoparathyroidism type 1B (PHP1B). Also called: PHP IB; Pseudohypoparathyroidism Ib (PHP-Ib); Pseudohypoparathyroidism Type IB. Identifiers: Orphanet 94089, MedGen C1864100, MONDO:0011301, OMIM 603233.

gnomAD v4.1: 9 of 1,611,492 alleles (0.00056%); highest among the groups gnomAD compares: African/African-American, 0.0027%; no homozygotes.

Submissions (2):

Labcorp Genetics (formerly Invitae), Labcorp
Classification: Uncertain significance. Last evaluated: 2024-04-30. Review status: criteria provided, single submitter. Criteria: Invitae Variant Classification Sherloc (09022015). Collection method: clinical testing. Allele origin: germline.
Comment: This sequence change replaces arginine, which is basic and polar, with glutamine, which is neutral and polar, at codon 177 of the STX16 protein (p.Arg177Gln). This variant is present in population databases (rs757412639, gnomAD 0.01%). This variant has not been reported in the literature in individuals affected with STX16-related conditions. Advanced modeling of protein sequence and biophysical properties (such as structural, functional, and spatial information, amino acid conservation, physicochemical variation, residue mobility, and thermodynamic stability) performed at Invitae indicates that this missense variant is not expected to disrupt STX16 protein function with a negative predictive value of 80%. In summary, the available evidence is currently insufficient to determine the role of this variant in disease. Therefore, it has been classified as a Variant of Uncertain Significance.

Fulgent Genetics
Classification: Uncertain significance for Pseudohypoparathyroidism type 1B. Last evaluated: 2024-03-20. Review status: criteria provided, single submitter. Criteria: ACMG Guidelines, 2015. Collection method: clinical testing. Allele origin: germline.

NM_001001433.3(STX16):c.530G>A (p.Arg177Gln)

Genes: STX16 (syntaxin 16; plus strand), STX16-NPEPL1 (STX16-NPEPL1 readthrough (NMD candidate); plus strand). Cytogenetic location: 20q13.32.
Variant type: single nucleotide variant.
Coding change: c.530G>A on transcript NM_001001433.3 (MANE Select); coding-DNA position 530, G replaced by A.
Protein change: p.Arg177Gln; replaces arginine 177 with glutamine.
Molecular consequence: missense variant. On other transcripts: non-coding transcript variant (1).
Genome position (GRCh38, 1-based): chr20:58,669,427, G>A. VCF-style: chr20-58669427-G-A. GRCh37 (hg19) VCF-style: chr20-57244483-G-A.
Other names: c.518G>A, p.Arg173Gln (NM_001134772.3); c.479G>A, p.Arg160Gln (NM_001134773.3); c.371G>A, p.Arg124Gln (NM_001204868.2); c.467G>A, p.Arg156Gln (NM_003763.6); short protein forms R173Q, R124Q, R160Q, R156Q, R177Q.
Identifiers: ClinVar variation 3587561 (VCV003587561.3).
Genomic context (GRCh38, chr20:58,669,427, plus strand): 5'-TGCTTGGGAACGTGGTGGCCTCGCTGGCGCAGGCCCTGCAGGAACTCTCCACCAGCTTCC[G>A]GCACGCACAGTCAGGCTACCTCAAACGTGAGTGCTGCCCGGGCCTAGTGAAGGGATTTTG-3'
Protein context (NP_001001433.1, residues 167-187): QALQELSTSF[Arg177Gln]HAQSGYLKRM